The following is an entry in ClinVar:

NM_000531.6(OTC):c.1051A>C (p.Lys351Gln)

Gene: OTC (ornithine transcarbamylase; plus strand). Cytogenetic location: Xp11.4.
Variant type: single nucleotide variant.
Coding change: c.1051A>C on transcript NM_000531.6 (MANE Select); coding-DNA position 1051, A replaced by C.
Protein change: p.Lys351Gln; replaces lysine 351 with glutamine.
Molecular consequence: missense variant.
Genome position (GRCh38, 1-based): chrX:38,421,068, A>C. VCF-style: chrX-38421068-A-C. GRCh37 (hg19) VCF-style: chrX-38280321-A-C.
Other names: c.1051A>C, p.Lys351Gln (NM_001407092.1); short protein forms K351Q.
Identifiers: ClinVar variation 4756652 (VCV004756652.1).

ClinVar aggregate classification (germline): Uncertain significance (1 of 4 stars; one submission).

Conditions:
Ornithine carbamoyltransferase deficiency (OTCD). Also called: ORNITHINE TRANSCARBAMYLASE DEFICIENCY; ORNITHINE TRANSCARBAMYLASE DEFICIENCY, HYPERAMMONEMIA DUE TO; OTC DEFICIENCY; Ornithine Carbamoyltransferase Deficiency Disease. Identifiers: Orphanet 664, MedGen C0268542, MONDO:0010703, OMIM 311250.

Submission:

Color Diagnostics, LLC DBA Color Health
Classification: Uncertain significance for Ornithine carbamoyltransferase deficiency. Last evaluated: 2025-06-03. Review status: criteria provided, single submitter. Criteria: ACMG Guidelines, 2015. Collection method: clinical testing. Allele origin: germline.
Comment: This missense variant replaces lysine with glutamine at codon 351 of the OTC protein. Computational prediction is inconclusive regarding the impact of this variant on protein structure and function. To our knowledge, functional studies have not been reported for this variant. This variant has not been reported in individuals affected with OTC-related disorders in the literature. This variant has not been identified in the general population by the Genome Aggregation Database (gnomAD). The available evidence is insufficient to determine the role of this variant in disease conclusively. Therefore, this variant is classified as a Variant of Uncertain Significance.